The following is an entry in ClinVar:

ClinVar aggregate classification (germline): Likely benign. Review status: criteria provided, multiple submitters, no conflicts (2 of 4 stars). 2 submissions from 2 submitters: Likely benign (2). Last evaluated 2022-11-28.

Conditions:
Bethlem myopathy 1A. Also called: MYOPATHY, BENIGN CONGENITAL, WITH CONTRACTURES; Bethlem Muscular Dystrophy; Bethlem myopathy 1. Identifiers: Orphanet 610, MedGen CN029274, MONDO:0024530, OMIM 158810.

Allele frequency attached by ClinVar (database versions not stated): gnomAD exomes below 0.00001; TOPMed below 0.00001; ExAC 0.00001; gnomAD 0.00001.
gnomAD v4.1: 6 of 1,612,758 alleles (0.00037%); highest among the groups gnomAD compares: African/African-American, 0.0013%; no homozygotes.

Submissions (2):

Labcorp Genetics (formerly Invitae), Labcorp
Classification: Likely benign for Bethlem myopathy 1A. Last evaluated: 2022-11-28. Review status: criteria provided, single submitter. Criteria: Invitae Variant Classification Sherloc (09022015). Collection method: clinical testing. Allele origin: germline.

GeneDx
Classification: Likely benign. Last evaluated: 2016-11-17. Review status: criteria provided, single submitter. Criteria: GeneDx Variant Classification (06012015). Collection method: clinical testing. Allele origin: germline. Affected: yes.
Comment: This variant is considered likely benign or benign based on one or more of the following criteria: it is a conservative change, it occurs at a poorly conserved position in the protein, it is predicted to be benign by multiple in silico algorithms, and/or has population frequency not consistent with disease.

NM_001849.4(COL6A2):c.1770+11C>T

Gene: COL6A2 (collagen type VI alpha 2 chain; plus strand). Cytogenetic location: 21q22.3.
Variant type: single nucleotide variant.
Coding change: c.1770+11C>T on transcript NM_001849.4 (MANE Select); 11 bases into the intron after coding-DNA position 1770, C replaced by T.
Molecular consequence: intron variant.
Genome position (GRCh38, 1-based): chr21:46,124,931, C>T. VCF-style: chr21-46124931-C-T. GRCh37 (hg19) VCF-style: chr21-47544845-C-T.
Other names: c.1770+11C>T (NM_058175.3, NM_058174.3).
Identifiers: ClinVar variation 390844 (VCV000390844.9), dbSNP rs755518889, ClinGen allele CA10072180.